The following is an entry in ClinVar:

ClinVar aggregate classification (germline): Uncertain significance. Review status: criteria provided, multiple submitters, no conflicts (2 of 4 stars). 3 submissions from 3 submitters: Uncertain significance (3). Last evaluated 2026-01-04.

Conditions:
Congenital contractural arachnodactyly (CCA). Also called: Arthrogryposis, distal, type 9; BEALS SYNDROME; Beals-Hecht syndrome. Identifiers: Orphanet 115, MedGen C0220668, MONDO:0007363, OMIM 121050.
Familial thoracic aortic aneurysm and aortic dissection (TAAD). Also called: Thoracic aortic aneurysms and dissections. Identifiers: Orphanet 91387, MedGen C4707243, MONDO:0019625.

gnomAD v4.1: 22 of 1,613,600 alleles (0.0014%); highest among the groups gnomAD compares: Non-Finnish European, 0.0019%; no homozygotes.

Submissions (3):

Labcorp Genetics (formerly Invitae), Labcorp
Classification: Uncertain significance for Congenital contractural arachnodactyly. Last evaluated: 2026-01-04. Review status: criteria provided, single submitter. Criteria: Invitae Variant Classification Sherloc (09022015). Collection method: clinical testing. Allele origin: germline.
Comment: This sequence change replaces proline, which is neutral and non-polar, with serine, which is neutral and polar, at codon 645 of the FBN2 protein (p.Pro645Ser). This variant is present in population databases (rs368814061, gnomAD 0.004%). This variant has not been reported in the literature in individuals affected with FBN2-related conditions. ClinVar contains an entry for this variant (Variation ID: 3375601). Invitae Evidence Modeling of protein sequence and biophysical properties (such as structural, functional, and spatial information, amino acid conservation, physicochemical variation, residue mobility, and thermodynamic stability) indicates that this missense variant is not expected to disrupt FBN2 protein function with a negative predictive value of 80%. In summary, the available evidence is currently insufficient to determine the role of this variant in disease. Therefore, it has been classified as a Variant of Uncertain Significance.

Ambry Genetics
Classification: Uncertain significance for Familial thoracic aortic aneurysm and aortic dissection. Last evaluated: 2025-04-01. Review status: criteria provided, single submitter. Criteria: Ambry Variant Classification Scheme 2023. Collection method: clinical testing. Allele origin: germline.
Comment: The p.P645S variant (also known as c.1933C>T), located in coding exon 14 of the FBN2 gene, results from a C to T substitution at nucleotide position 1933. The proline at codon 645 is replaced by serine, an amino acid with similar properties. This amino acid position is highly conserved in available vertebrate species. In addition, this alteration is predicted to be deleterious by in silico analysis. Based on the available evidence, the clinical significance of this variant remains unclear.

GeneDx
Classification: Uncertain significance. Last evaluated: 2024-05-08. Review status: criteria provided, single submitter. Criteria: GeneDx Variant Classification Process June 2021. Collection method: clinical testing. Allele origin: germline. Affected: yes.
Comment: Not observed at significant frequency in large population cohorts (gnomAD); In silico analysis supports that this missense variant has a deleterious effect on protein structure/function; Has not been previously published as pathogenic or benign to our knowledge; Although located in a calcium-binding EGF-like domain of the FBN2 gene, it does not substitute or introduce a cysteine residue (PMID: 19006240, 18767143); This variant is associated with the following publications: (PMID: 19006240, 18767143)

NM_001999.4(FBN2):c.1933C>T (p.Pro645Ser)

Gene: FBN2 (fibrillin 2; minus strand). Cytogenetic location: 5q23.3.
Variant type: single nucleotide variant.
Coding change: c.1933C>T on transcript NM_001999.4 (MANE Select); coding-DNA position 1933, C replaced by T.
Protein change: p.Pro645Ser; replaces proline 645 with serine.
Molecular consequence: missense variant.
Genome position (GRCh38, 1-based): chr5:128,376,770, G>A on the plus strand (C>T on the coding strand, the complement: FBN2 is on the minus strand). VCF-style: chr5-128376770-G-A. GRCh37 (hg19) VCF-style: chr5-127712463-G-A.
Other names: short protein forms P645S.
Identifiers: ClinVar variation 3375601 (VCV003375601.3).